The following is an entry in ClinVar:

ClinVar aggregate classification (germline): Uncertain significance. Review status: criteria provided, multiple submitters, no conflicts (2 of 4 stars). 3 submissions from 3 submitters: Uncertain significance (3). Last evaluated 2024-08-05.

Conditions:
Inborn genetic diseases. Identifiers: MedGen C0950123, MeSH D030342.

Allele frequency attached by ClinVar (database versions not stated): gnomAD 0.00002 and 0.00003; gnomAD exomes 0.00006; TOPMed 0.00006; ExAC 0.00009; 1000 Genomes Project 30x 0.00016; 1000 Genomes Project 0.00020.
gnomAD v4.1: 53 of 1,613,994 alleles (0.0033%); highest among the groups gnomAD compares: South Asian, 0.042%; 1 homozygote.

Submissions (3):

Labcorp Genetics (formerly Invitae), Labcorp
Classification: Uncertain significance. Last evaluated: 2024-08-05. Review status: criteria provided, single submitter. Criteria: Invitae Variant Classification Sherloc (09022015). Collection method: clinical testing. Allele origin: germline.
Comment: This sequence change replaces arginine, which is basic and polar, with histidine, which is basic and polar, at codon 1809 of the TUBGCP6 protein (p.Arg1809His). This variant is present in population databases (rs540957245, gnomAD 0.04%). This variant has not been reported in the literature in individuals affected with TUBGCP6-related conditions. ClinVar contains an entry for this variant (Variation ID: 1042087). An algorithm developed to predict the effect of missense changes on protein structure and function (PolyPhen-2) suggests that this variant is likely to be disruptive. In summary, the available evidence is currently insufficient to determine the role of this variant in disease. Therefore, it has been classified as a Variant of Uncertain Significance.

Ambry Genetics
Classification: Uncertain significance for Inborn genetic diseases. Last evaluated: 2024-05-28. Review status: criteria provided, single submitter. Criteria: Ambry Variant Classification Scheme 2023. Collection method: clinical testing. Allele origin: germline.

Blueprint Genetics
Classification: Uncertain significance. Last evaluated: 2024-03-09. Review status: criteria provided, single submitter. Criteria: ACMG Guidelines, 2015. Collection method: clinical testing. Allele origin: germline.

NM_020461.4(TUBGCP6):c.5426G>A (p.Arg1809His)

Gene: TUBGCP6 (tubulin gamma complex component 6; minus strand). Cytogenetic location: 22q13.33.
Variant type: single nucleotide variant.
Coding change: c.5426G>A on transcript NM_020461.4 (MANE Select); coding-DNA position 5426, G replaced by A.
Protein change: p.Arg1809His; replaces arginine 1809 with histidine.
Molecular consequence: missense variant.
Genome position (GRCh38, 1-based): chr22:50,217,770, C>T on the plus strand (G>A on the coding strand, the complement: TUBGCP6 is on the minus strand). VCF-style: chr22-50217770-C-T. GRCh37 (hg19) VCF-style: chr22-50656199-C-T.
Other names: c.5426G>A (NM_020461.3); short protein forms R1809H.
Identifiers: ClinVar variation 1042087 (VCV001042087.7), dbSNP rs540957245, ClinGen allele CA10307010.